The following is an entry in ClinVar:

ClinVar aggregate classification (germline): Uncertain significance (1 of 4 stars; one submission).

Conditions:
Hypertrophic cardiomyopathy. Also called: HYPERTROPHIC MYOCARDIOPATHY. Identifiers: Orphanet 217569, MedGen C0007194, MeSH D002312, MONDO:0005045, HP:0001639.

Submission:

Labcorp Genetics (formerly Invitae), Labcorp
Classification: Uncertain significance for Hypertrophic cardiomyopathy. Last evaluated: 2024-11-03. Review status: criteria provided, single submitter. Criteria: Invitae Variant Classification Sherloc (09022015). Collection method: clinical testing. Allele origin: germline.
Comment: This sequence change replaces asparagine, which is neutral and polar, with threonine, which is neutral and polar, at codon 661 of the MYH7 protein (p.Asn661Thr). This variant is not present in population databases (gnomAD no frequency). This variant has not been reported in the literature in individuals affected with MYH7-related conditions. Invitae Evidence Modeling of protein sequence and biophysical properties (such as structural, functional, and spatial information, amino acid conservation, physicochemical variation, residue mobility, and thermodynamic stability) indicates that this missense variant is expected to disrupt MYH7 protein function with a positive predictive value of 95%. In summary, the available evidence is currently insufficient to determine the role of this variant in disease. Therefore, it has been classified as a Variant of Uncertain Significance.

NM_000257.4(MYH7):c.1982A>C (p.Asn661Thr)

Gene: MYH7 (myosin heavy chain 7; minus strand). Cytogenetic location: 14q11.2.
Variant type: single nucleotide variant.
Coding change: c.1982A>C on transcript NM_000257.4 (MANE Select); coding-DNA position 1982, A replaced by C.
Protein change: p.Asn661Thr; replaces asparagine 661 with threonine.
Molecular consequence: missense variant.
Genome position (GRCh38, 1-based): chr14:23,426,839, T>G on the plus strand (A>C on the coding strand, the complement: MYH7 is on the minus strand). VCF-style: chr14-23426839-T-G. GRCh37 (hg19) VCF-style: chr14-23896048-T-G.
Other names: c.1982A>C, p.Asn661Thr (NM_001407004.1); short protein forms N661T.
Identifiers: ClinVar variation 3636038 (VCV003636038.2).